The following is an entry in ClinVar:

NM_153704.6(TMEM67):c.1706G>A (p.Gly569Asp)

Gene: TMEM67 (transmembrane protein 67; plus strand). Cytogenetic location: 8q22.1.
Variant type: single nucleotide variant.
Coding change: c.1706G>A on transcript NM_153704.6 (MANE Select); coding-DNA position 1706, G replaced by A.
Protein change: p.Gly569Asp; replaces glycine 569 with aspartic acid.
Molecular consequence: missense variant. On other transcripts: non-coding transcript variant (1).
Genome position (GRCh38, 1-based): chr8:93,795,440, G>A. VCF-style: chr8-93795440-G-A. GRCh37 (hg19) VCF-style: chr8-94807668-G-A.
Other names: c.1463G>A, p.Gly488Asp (NM_001142301.1); short protein forms G488D, G569D.
Identifiers: ClinVar variation 3759133 (VCV003759133.5).

ClinVar aggregate classification (germline): Conflicting classifications of pathogenicity. Review status: criteria provided, conflicting classifications (1 of 4 stars). 2 submissions from 2 submitters: Pathogenic (1); Uncertain significance (1). Last evaluated 2025-10-14.

Conditions:
Joubert syndrome. Also called: CEREBELLOPARENCHYMAL DISORDER IV; JOUBERT-BOLTSHAUSER SYNDROME; Familial aplasia of the vermis. Identifiers: Orphanet 475, MedGen C5979921, MONDO:0018772.
Meckel-Gruber syndrome. Also called: DYSENCEPHALIA SPLANCHNOCYSTICA; GRUBER SYNDROME; Dysencephalia splachnocystica. Identifiers: Orphanet 564, MedGen C0265215, MONDO:0018921.

gnomAD v4.1: 1 of 1,613,912 alleles (0.000062%); highest among the groups gnomAD compares: Non-Finnish European, 0.000085%; no homozygotes.

Submissions (2):

Women's Health and Genetics/Laboratory Corporation of America, LabCorp
Classification: Uncertain significance. Last evaluated: 2025-10-14. Review status: criteria provided, single submitter. Criteria: LabCorp Variant Classification Summary - May 2015. Collection method: clinical testing. Allele origin: germline.
Comment: Variant summary: TMEM67 c.1706G>A (p.Gly569Asp) results in a non-conservative amino acid change in the encoded protein sequence. Algorithms developed to predict the effect of missense changes on protein structure and function are either unavailable or do not agree on the potential impact of this missense change. The variant was absent in 251418 control chromosomes. The available data on variant occurrences in the general population are insufficient to allow any conclusion about variant significance. c.1706G>A has been reported in the compound heterozygous state in the literature in at least 1 individual affected with Joubert Syndrome And Related Disorders (example, Iannicelli_2010). These data do not allow any conclusion about variant significance. To our knowledge, no experimental evidence demonstrating an impact on protein function has been reported. The following publications have been ascertained in the context of this evaluation (PMID: 20232449, 36090483, 34731008, 30403813, 32000717). ClinVar contains an entry for this variant (Variation ID: 3759133). Based on the evidence outlined above, the variant was classified as uncertain significance.

Labcorp Genetics (formerly Invitae), Labcorp
Classification: Pathogenic for Joubert syndrome; Meckel-Gruber syndrome. Last evaluated: 2024-07-30. Review status: criteria provided, single submitter. Criteria: Invitae Variant Classification Sherloc (09022015). Collection method: clinical testing. Allele origin: germline.
Comment: This sequence change replaces glycine, which is neutral and non-polar, with aspartic acid, which is acidic and polar, at codon 569 of the TMEM67 protein (p.Gly569Asp). This variant is not present in population databases (gnomAD no frequency). This missense change has been observed in individual(s) with Joubert syndrome (PMID: 20232449). In at least one individual the data is consistent with being in trans (on the opposite chromosome) from a pathogenic variant. Advanced modeling of protein sequence and biophysical properties (such as structural, functional, and spatial information, amino acid conservation, physicochemical variation, residue mobility, and thermodynamic stability) performed at Invitae indicates that this missense variant is expected to disrupt TMEM67 protein function with a positive predictive value of 95%. For these reasons, this variant has been classified as Pathogenic.

Literature cited by the submitters: PubMed 32000717 (cited by Women's Health and Genetics/Laboratory Corporation of America, LabCorp); PubMed 20232449 (cited by Women's Health and Genetics/Laboratory Corporation of America, LabCorp and Labcorp Genetics (formerly Invitae), Labcorp); PubMed 30403813 (cited by Women's Health and Genetics/Laboratory Corporation of America, LabCorp); PubMed 36090483 (cited by Women's Health and Genetics/Laboratory Corporation of America, LabCorp); PubMed 34731008 (cited by Women's Health and Genetics/Laboratory Corporation of America, LabCorp).